The following is an entry in ClinVar:

ClinVar aggregate classification (germline): Likely benign. Review status: criteria provided, multiple submitters, no conflicts (2 of 4 stars). 2 submissions from 2 submitters: Likely benign (2). Last evaluated 2026-04-14.

Conditions:
DICER1-related tumor predisposition. Also called: DICER1-related pleuropulmonary blastoma cancer predisposition syndrome; DICER1 syndrome. Identifiers: Orphanet 284343, MedGen C3839822, MONDO:0100216.

Allele frequency attached by ClinVar (database versions not stated): TOPMed below 0.00001; gnomAD exomes below 0.00001.
gnomAD v4.1: 3 of 1,587,044 alleles (0.00019%); highest among the groups gnomAD compares: Non-Finnish European, 0.00026%; no homozygotes.

Submissions (2):

Myriad Genetics, Inc.
Classification: Likely benign for DICER1-related tumor predisposition. Last evaluated: 2026-04-14. Review status: criteria provided, single submitter. Criteria: Myriad Autosomal Dominant, Autosomal Recessive and X-Linked Classification Criteria (2023). Collection method: clinical testing. Allele origin: unknown.
Comment: This variant is considered likely benign. This variant is intronic and is not expected to impact mRNA splicing.

Labcorp Genetics (formerly Invitae), Labcorp
Classification: Likely benign for DICER1-related tumor predisposition. Last evaluated: 2025-11-19. Review status: criteria provided, single submitter. Criteria: Invitae Variant Classification Sherloc (09022015). Collection method: clinical testing. Allele origin: germline.

NM_177438.3(DICER1):c.4207-17A>G

Gene: DICER1 (dicer 1, ribonuclease III; minus strand). Cytogenetic location: 14q32.13.
Variant type: single nucleotide variant.
Coding change: c.4207-17A>G on transcript NM_177438.3 (MANE Select); 17 bases into the intron before coding-DNA position 4207, A replaced by G.
Molecular consequence: intron variant.
Genome position (GRCh38, 1-based): chr14:95,096,730, T>C on the plus strand (A>G on the coding strand, the complement: DICER1 is on the minus strand). VCF-style: chr14-95096730-T-C. GRCh37 (hg19) VCF-style: chr14-95563067-T-C.
Other names: c.4207-17A>G (NM_001291628.2, NM_030621.4, NM_001271282.3 and 1 more transcripts).
Identifiers: ClinVar variation 1659102 (VCV001659102.10), dbSNP rs1890391811, ClinGen allele CA2156303657.